The following is an entry in ClinVar:

NM_032043.3(BRIP1):c.879C>G (p.Asn293Lys)

Gene: BRIP1 (BRCA1 interacting helicase 1; minus strand). Cytogenetic location: 17q23.2.
Variant type: single nucleotide variant.
Coding change: c.879C>G on transcript NM_032043.3 (MANE Select); coding-DNA position 879, C replaced by G.
Protein change: p.Asn293Lys; replaces asparagine 293 with lysine.
Molecular consequence: missense variant.
Genome position (GRCh38, 1-based): chr17:61,808,506, G>C on the plus strand (C>G on the coding strand, the complement: BRIP1 is on the minus strand). VCF-style: chr17-61808506-G-C. GRCh37 (hg19) VCF-style: chr17-59885867-G-C.
Other names: short protein forms N293K.
Identifiers: ClinVar variation 929524 (VCV000929524.1), dbSNP rs2078107772, ClinGen allele CA400484720.
Genomic context (GRCh38, chr17:61,808,506, plus strand): 5'-ACACAAAATAACTTTACTCACGTTTTTCCCATCTAGCAATTCCATGCACTTCTCATTTCT[G>C]TTGAAGTTACCGACTACCTCAGGATGGACACAAGTATGATCCCTGCTGGAAAGAATAGTC-3'
Protein context (NP_114432.2, residues 283-303): CVHPEVVGNF[Asn293Lys]RNEKCMELLD

ClinVar aggregate classification (germline): Uncertain significance (0 of 4 stars; one submission).

Submission:

Leiden Open Variation Database
Classification: Uncertain significance. Last evaluated: 2019-08-13. Review status: no assertion criteria provided. Collection method: curation. Allele origin: germline. Affected: yes.
Comment: Curator: Arleen D. Auerbach. Submitter to LOVD: Yukihide Momozawa.

Literature cited by the submitters: PubMed 31214711.